The following is an entry in ClinVar:

ClinVar aggregate classification (germline): Uncertain significance. Review status: criteria provided, single submitter (1 of 4 stars). 2 submissions from 2 submitters: Uncertain significance (1). 1 of the submissions does not count toward it. Last evaluated 2026-01-19.

Conditions:
ERBIN-related disorder. Also called: ERBIN-related condition.

Allele frequency attached by ClinVar (database versions not stated): ExAC 0.00001.
gnomAD v4.1: 7 of 1,614,174 alleles (0.00043%); highest among the groups gnomAD compares: South Asian, 0.0066%; no homozygotes.

Submissions (2):

Labcorp Genetics (formerly Invitae), Labcorp
Classification: Uncertain significance. Last evaluated: 2026-01-19. Review status: criteria provided, single submitter. Criteria: Invitae Variant Classification Sherloc (09022015). Collection method: clinical testing. Allele origin: germline.
Comment: This sequence change replaces proline, which is neutral and non-polar, with alanine, which is neutral and non-polar, at codon 1277 of the ERBIN protein (p.Pro1277Ala). This variant is present in population databases (rs757254515, gnomAD 0.006%). This variant has not been reported in the literature in individuals affected with ERBIN-related conditions. ClinVar contains an entry for this variant (Variation ID: 3049981). An algorithm developed to predict the effect of missense changes on protein structure and function (PolyPhen-2) suggests that this variant is likely to be disruptive. In summary, the available evidence is currently insufficient to determine the role of this variant in disease. Therefore, it has been classified as a Variant of Uncertain Significance.

PreventionGenetics, part of Exact Sciences
Classification: Uncertain significance for ERBIN-related condition. Last evaluated: 2023-10-27. Review status: no assertion criteria provided. Collection method: clinical testing. Allele origin: germline. Not counted in ClinVar's aggregate classification.
Comment: The ERBIN c.3850C>G variant is predicted to result in the amino acid substitution p.Pro1284Ala. To our knowledge, this variant has not been reported in the literature. This variant is reported in 0.0065% of alleles in individuals of South Asian descent in gnomAD. At this time, the clinical significance of this variant is uncertain due to the absence of conclusive functional and genetic evidence.

NM_001253697.2(ERBIN):c.3829C>G (p.Pro1277Ala)

Gene: ERBIN (erbb2 interacting protein; plus strand). Cytogenetic location: 5q12.3.
Variant type: single nucleotide variant.
Coding change: c.3829C>G on transcript NM_001253697.2 (MANE Select); coding-DNA position 3829, C replaced by G.
Protein change: p.Pro1277Ala; replaces proline 1277 with alanine.
Molecular consequence: missense variant. On other transcripts: intron variant (1).
Genome position (GRCh38, 1-based): chr5:66,075,096, C>G. VCF-style: chr5-66075096-C-G. GRCh37 (hg19) VCF-style: chr5-65370924-C-G.
Other names: c.3706C>G, p.Pro1236Ala (NM_001253698.2, NM_018695.4); c.3850C>G, p.Pro1284Ala (NM_001253699.2); c.3694C>G, p.Pro1232Ala (NM_001253701.2); c.3634-1220C>G (NM_001006600.3); short protein forms P1232A, P1236A, P1277A, P1284A.
Identifiers: ClinVar variation 3049981 (VCV003049981.3), dbSNP rs757254515, ClinGen allele CA3286738.